The following is an entry in ClinVar:

NM_000091.5(COL4A3):c.1969C>T (p.Pro657Ser)

Genes: COL4A3 (collagen type IV alpha 3 chain; plus strand), MFF-DT (MFF divergent transcript; minus strand). Cytogenetic location: 2q36.3.
Variant type: single nucleotide variant.
Coding change: c.1969C>T on transcript NM_000091.5 (MANE Select); coding-DNA position 1969, C replaced by T.
Protein change: p.Pro657Ser; replaces proline 657 with serine.
Molecular consequence: missense variant.
Genome position (GRCh38, 1-based): chr2:227,276,426, C>T. VCF-style: chr2-227276426-C-T. GRCh37 (hg19) VCF-style: chr2-228141142-C-T.
Other names: short protein forms P657S.
Identifiers: ClinVar variation 2910726 (VCV002910726.3), dbSNP rs2469723368, ClinGen allele CA350846281.

ClinVar aggregate classification (germline): Uncertain significance (1 of 4 stars; one submission).

Submission:

Labcorp Genetics (formerly Invitae), Labcorp
Classification: Uncertain significance. Last evaluated: 2023-01-31. Review status: criteria provided, single submitter. Criteria: Invitae Variant Classification Sherloc (09022015). Collection method: clinical testing. Allele origin: germline.
Comment: This sequence change replaces proline, which is neutral and non-polar, with serine, which is neutral and polar, at codon 657 of the COL4A3 protein (p.Pro657Ser). This variant is not present in population databases (gnomAD no frequency). This variant has not been reported in the literature in individuals affected with COL4A3-related conditions. Advanced modeling of protein sequence and biophysical properties (such as structural, functional, and spatial information, amino acid conservation, physicochemical variation, residue mobility, and thermodynamic stability) has been performed at Invitae for this missense variant, however the output from this modeling did not meet the statistical confidence thresholds required to predict the impact of this variant on COL4A3 protein function. In summary, the available evidence is currently insufficient to determine the role of this variant in disease. Therefore, it has been classified as a Variant of Uncertain Significance.